The following is an entry in ClinVar:

ClinVar aggregate classification (germline): Uncertain significance. Review status: criteria provided, multiple submitters, no conflicts (2 of 4 stars). 2 submissions from 2 submitters: Uncertain significance (2). Last evaluated 2025-09-19.

Conditions:
Cardiovascular phenotype. Identifiers: MedGen CN230736.

Submissions (2):

Mayo Clinic Laboratories, Mayo Clinic
Classification: Uncertain significance. Last evaluated: 2025-09-19. Review status: criteria provided, single submitter. Criteria: ACMG Guidelines, 2015. Collection method: clinical testing. Allele origin: germline. Observed: 1 variant allele.
Comment: PP3, PM2_supporting

Ambry Genetics
Classification: Uncertain significance for Cardiovascular phenotype. Last evaluated: 2025-03-19. Review status: criteria provided, single submitter. Criteria: Ambry Variant Classification Scheme 2023. Collection method: clinical testing. Allele origin: germline.
Comment: The p.K1503E variant (also known as c.4507A>G), located in coding exon 30 of the MYH7 gene, results from an A to G substitution at nucleotide position 4507. The lysine at codon 1503 is replaced by glutamic acid, an amino acid with similar properties. This amino acid position is highly conserved in available vertebrate species. In addition, this alteration is predicted to be deleterious by in silico analysis. Based on the available evidence, the clinical significance of this variant remains unclear.

NM_000257.4(MYH7):c.4507A>G (p.Lys1503Glu)

Genes: MHRT (myosin heavy chain associated RNA transcript; plus strand), MYH7 (myosin heavy chain 7; minus strand). Cytogenetic location: 14q11.2.
Variant type: single nucleotide variant.
Coding change: c.4507A>G on transcript NM_000257.4 (MANE Select); coding-DNA position 4507, A replaced by G.
Protein change: p.Lys1503Glu; replaces lysine 1503 with glutamic acid.
Molecular consequence: missense variant.
Genome position (GRCh38, 1-based): chr14:23,417,165, T>C on the plus strand (A>G on the coding strand, the complement: MYH7 is on the minus strand). VCF-style: chr14-23417165-T-C. GRCh37 (hg19) VCF-style: chr14-23886374-T-C.
Other names: p.Lys1503Glu; c.4507A>G, p.Lys1503Glu (NM_001407004.1); short protein forms K1503E.
Identifiers: ClinVar variation 3915625 (VCV003915625.2).